The following is an entry in ClinVar:

NM_000081.4(LYST):c.1123G>A (p.Ala375Thr)

Gene: LYST (lysosomal trafficking regulator; minus strand). Cytogenetic location: 1q42.3.
Variant type: single nucleotide variant.
Coding change: c.1123G>A on transcript NM_000081.4 (MANE Select); coding-DNA position 1123, G replaced by A.
Protein change: p.Ala375Thr; replaces alanine 375 with threonine.
Molecular consequence: missense variant.
Genome position (GRCh38, 1-based): chr1:235,809,695, C>T on the plus strand (G>A on the coding strand, the complement: LYST is on the minus strand). VCF-style: chr1-235809695-C-T. GRCh37 (hg19) VCF-style: chr1-235972995-C-T.
Other names: c.1123G>A, p.Ala375Thr (NM_001301365.1); short protein forms A375T.
Identifiers: ClinVar variation 1348615 (VCV001348615.5), dbSNP rs2527120086, ClinGen allele CA344963111.

ClinVar aggregate classification (germline): Uncertain significance (1 of 4 stars; one submission).

Conditions:
Chédiak-Higashi syndrome (CHS). Also called: Chediak-Higashi Syndrome. Identifiers: Orphanet 167, MedGen C0007965, MONDO:0008963, OMIM 214500.

Submission:

Labcorp Genetics (formerly Invitae), Labcorp
Classification: Uncertain significance for Chédiak-Higashi syndrome. Last evaluated: 2022-07-19. Review status: criteria provided, single submitter. Criteria: Invitae Variant Classification Sherloc (09022015). Collection method: clinical testing. Allele origin: germline.
Comment: ClinVar contains an entry for this variant (Variation ID: 1348615). In summary, the available evidence is currently insufficient to determine the role of this variant in disease. Therefore, it has been classified as a Variant of Uncertain Significance. Algorithms developed to predict the effect of missense changes on protein structure and function (SIFT, PolyPhen-2, Align-GVGD) all suggest that this variant is likely to be tolerated. This variant has not been reported in the literature in individuals affected with LYST-related conditions. This variant is not present in population databases (gnomAD no frequency). This sequence change replaces alanine, which is neutral and non-polar, with threonine, which is neutral and polar, at codon 375 of the LYST protein (p.Ala375Thr).